The following is an entry in ClinVar:

ClinVar aggregate classification (germline): Pathogenic (1 of 4 stars; one submission).

Conditions:
Familial cancer of breast. Also called: BREAST CANCER, FAMILIAL; Hereditary breast cancer; hereditary breast carcinoma. Identifiers: Orphanet 227535, MedGen C0346153, MONDO:0016419, OMIM 114480. Disease mechanism: loss of function.

Submission:

Myriad Genetics, Inc.
Classification: Pathogenic for Familial cancer of breast. Last evaluated: 2024-06-20. Review status: criteria provided, single submitter. Criteria: Myriad Autosomal Dominant, Autosomal Recessive and X-Linked Classification Criteria (2023). Collection method: clinical testing. Allele origin: unknown.
Comment: This variant is considered pathogenic. This variant creates a termination codon and is predicted to result in premature protein truncation.

NM_024675.4(PALB2):c.3255_3256delinsTT (p.Leu1085_Arg1086delinsPheTer)

Gene: PALB2 (partner and localizer of BRCA2; minus strand). Cytogenetic location: 16p12.2.
Variant type: Indel.
Coding change: c.3255_3256delinsTT on transcript NM_024675.4 (MANE Select); coding-DNA positions 3255 to 3256, GC replaced by TT.
Protein change: p.Leu1085_Arg1086delinsPheTer.
Molecular consequence: nonsense. On other transcripts: intron variant (8).
Genome position (GRCh38, 1-based): chr16:23,607,958-23,607,959, GC replaced by AA on the plus strand (GC replaced by TT on the coding strand, the reverse complement: PALB2 is on the minus strand). VCF-style: chr16-23607958-GC-AA. GRCh37 (hg19) VCF-style: chr16-23619279-GC-AA.
Other names: c.2976_2977delinsTT, p.Leu992_Arg993delinsPheTer (NM_001407300.1); c.3195_3196delinsTT, p.Leu1065_Arg1066delinsPheTer (NM_001407296.1); c.3183_3184delinsTT, p.Leu1061_Arg1062delinsPheTer (NM_001407297.1); c.3093_3094delinsTT, p.Leu1031_Arg1032delinsPheTer (NM_001407298.1); c.2370_2371delinsTT, p.Leu790_Arg791delinsPheTer (NM_001407304.1, NM_001407305.1, NM_001407306.1); c.2208_2209delinsTT, p.Leu736_Arg737delinsPheTer (NM_001407307.1); c.1467_1468delinsTT, p.Leu489_Arg490delinsPheTer (NM_001407312.1); c.789_790delinsTT, p.Leu263_Arg264delinsPheTer (NM_001407314.1); and 6 more.
Identifiers: ClinVar variation 3254411 (VCV003254411.1), dbSNP rs2506217335.
Genomic context (GRCh38, chr16:23,607,958, plus strand): 5'-TCACACCCACGCTGAGAGTCGTCTTAGGGTTAATCACAATGAGCTGAAACACAGGGCTTC[GC>AA]AACGACTCACTCTCTTTGGCACAGGGATGACTCAGGACAATAAAGAGAAGCCCCTAATTT-3'